The following is an entry in ClinVar:

ClinVar aggregate classification (germline): Pathogenic (1 of 4 stars; one submission).

Conditions:
Fanconi anemia (FA). Also called: Fanconi's anemia. Identifiers: Orphanet 84, MedGen C0015625, MeSH D005199, MONDO:0019391.

Submission:

Labcorp Genetics (formerly Invitae), Labcorp
Classification: Pathogenic for Fanconi anemia. Last evaluated: 2023-04-08. Review status: criteria provided, single submitter. Criteria: Invitae Variant Classification Sherloc (09022015). Collection method: clinical testing. Allele origin: germline.
Comment: For these reasons, this variant has been classified as Pathogenic. This variant has not been reported in the literature in individuals affected with FANCL-related conditions. This variant is a gross deletion of the genomic region encompassing exon(s) 1 of the FANCL gene, which includes the initiator codon. This deletion extends beyond the assayed region for this gene and therefore may encompass additional genes. It is expected to result in an absent or disrupted protein product. Loss-of-function variants in FANCL are known to be pathogenic (PMID: 19405097, 23613520).

Literature cited by the submitters: PubMed 19405097; PubMed 23613520.

NC_000002.11:g.(?_58468333)_(58468448_?)del

Gene: FANCL (FA complementation group L; minus strand). Cytogenetic location: 2p16.1.
Variant type: Deletion.
Identifiers: ClinVar variation 2426430 (VCV002426430.4).